The following is an entry in ClinVar:

NM_145045.5(ODAD3):c.1057T>C (p.Tyr353His)

Gene: ODAD3 (outer dynein arm docking complex subunit 3; minus strand). Cytogenetic location: 19p13.2.
Variant type: single nucleotide variant.
Coding change: c.1057T>C on transcript NM_145045.5 (MANE Select); coding-DNA position 1057, T replaced by C.
Protein change: p.Tyr353His; replaces tyrosine 353 with histidine.
Molecular consequence: missense variant.
Genome position (GRCh38, 1-based): chr19:11,423,936, A>G on the plus strand (T>C on the coding strand, the complement: ODAD3 is on the minus strand). VCF-style: chr19-11423936-A-G. GRCh37 (hg19) VCF-style: chr19-11534605-A-G.
Other names: c.895T>C, p.Tyr299His (NM_001302453.1); c.877T>C, p.Tyr293His (NM_001302454.2); short protein forms Y293H, Y299H, Y353H.
Identifiers: ClinVar variation 2148110 (VCV002148110.4), dbSNP rs1265139300, ClinGen allele CA404121635.

ClinVar aggregate classification (germline): Uncertain significance (1 of 4 stars; one submission).

Conditions:
Primary ciliary dyskinesia 30. Also called: CILIARY DYSKINESIA, PRIMARY, 30, WITH OR WITHOUT SITUS INVERSUS. Identifiers: Orphanet 244, MedGen C4015016, MONDO:0014465, OMIM 616037.

Allele frequency attached by ClinVar (database versions not stated): gnomAD 0.00001; TOPMed 0.00001; gnomAD exomes 0.00004.

Submission:

Labcorp Genetics (formerly Invitae), Labcorp
Classification: Uncertain significance for Primary ciliary dyskinesia 30. Last evaluated: 2022-03-13. Review status: criteria provided, single submitter. Criteria: Invitae Variant Classification Sherloc (09022015). Collection method: clinical testing. Allele origin: germline.
Comment: This sequence change replaces tyrosine, which is neutral and polar, with histidine, which is basic and polar, at codon 353 of the CCDC151 protein (p.Tyr353His). This variant is present in population databases (no rsID available, gnomAD 0.004%). This variant has not been reported in the literature in individuals affected with CCDC151-related conditions. Algorithms developed to predict the effect of missense changes on protein structure and function are either unavailable or do not agree on the potential impact of this missense change (SIFT: "Tolerated"; PolyPhen-2: "Probably Damaging"; Align-GVGD: "Class C0"). In summary, the available evidence is currently insufficient to determine the role of this variant in disease. Therefore, it has been classified as a Variant of Uncertain Significance.